The following is an entry in ClinVar:

NM_015271.5(TRIM2):c.1500C>G (p.Ile500Met)

Gene: TRIM2 (tripartite motif containing 2; plus strand). Cytogenetic location: 4q31.3.
Variant type: single nucleotide variant.
Coding change: c.1500C>G on transcript NM_015271.5 (MANE Select); coding-DNA position 1500, C replaced by G.
Protein change: p.Ile500Met; replaces isoleucine 500 with methionine.
Molecular consequence: missense variant.
Genome position (GRCh38, 1-based): chr4:153,296,026, C>G. VCF-style: chr4-153296026-C-G. GRCh37 (hg19) VCF-style: chr4-154217178-C-G.
Other names: c.1419C>G, p.Ile473Met (NM_001130067.2, NM_001351056.2, NM_001375512.1 and 5 more transcripts); c.1473C>G, p.Ile491Met (NM_001351054.2); c.1470C>G, p.Ile490Met (NM_001351055.2); c.1044C>G, p.Ile348Met (NM_001351057.2); c.1593C>G, p.Ile531Met (NM_001375488.1); c.1590C>G, p.Ile530Met (NM_001375489.1); c.1443C>G, p.Ile481Met (NM_001375490.1); c.1440C>G, p.Ile480Met (NM_001375491.1); and 3 more; short protein forms I473M, I480M, I491M, I531M, I481M, I530M, I387M, I490M.
Identifiers: ClinVar variation 2840224 (VCV002840224.3), dbSNP rs376319447, ClinGen allele CA358473856.

ClinVar aggregate classification (germline): Uncertain significance (1 of 4 stars; one submission).

Conditions:
Charcot-Marie-Tooth disease type 2R. Also called: CHARCOT-MARIE-TOOTH DISEASE, AXONAL, AUTOSOMAL RECESSIVE, TYPE 2R; Charcot-Marie-Tooth disease, axonal, type 2R; CHARCOT-MARIE-TOOTH NEUROPATHY, TYPE 2R. Identifiers: Orphanet 397968, MedGen C3809655, MONDO:0014208, OMIM 615490.

Submission:

Labcorp Genetics (formerly Invitae), Labcorp
Classification: Uncertain significance for Charcot-Marie-Tooth disease type 2R. Last evaluated: 2023-03-13. Review status: criteria provided, single submitter. Criteria: Invitae Variant Classification Sherloc (09022015). Collection method: clinical testing. Allele origin: germline.
Comment: In summary, the available evidence is currently insufficient to determine the role of this variant in disease. Therefore, it has been classified as a Variant of Uncertain Significance. An algorithm developed to predict the effect of missense changes on protein structure and function (PolyPhen-2) suggests that this variant is likely to be tolerated. This variant has not been reported in the literature in individuals affected with TRIM2-related conditions. This variant is not present in population databases (gnomAD no frequency). This sequence change replaces isoleucine, which is neutral and non-polar, with methionine, which is neutral and non-polar, at codon 473 of the TRIM2 protein (p.Ile473Met).